The following is an entry in ClinVar:

ClinVar aggregate classification (germline): Uncertain significance (1 of 4 stars; one submission).

Conditions:
POLD1-related polyposis and colorectal cancer syndrome (CRCS10). Also called: Colorectal cancer 10; Colorectal cancer, susceptibility to, 10; COLORECTAL CANCER, SUSCEPTIBILITY TO, ON CHROMOSOME 19q. Identifiers: Orphanet 220460, MedGen C2675481, MONDO:0012953, OMIM 612591.

Submission:

Labcorp Genetics (formerly Invitae), Labcorp
Classification: Uncertain significance for POLD1-related polyposis and colorectal cancer syndrome. Last evaluated: 2023-10-04. Review status: criteria provided, single submitter. Criteria: Invitae Variant Classification Sherloc (09022015). Collection method: clinical testing. Allele origin: germline.
Comment: This sequence change replaces glutamic acid, which is acidic and polar, with aspartic acid, which is acidic and polar, at codon 57 of the POLD1 protein (p.Glu57Asp). This variant is not present in population databases (gnomAD no frequency). This variant has not been reported in the literature in individuals affected with POLD1-related conditions. An algorithm developed to predict the effect of missense changes on protein structure and function (PolyPhen-2) suggests that this variant is likely to be tolerated. In summary, the available evidence is currently insufficient to determine the role of this variant in disease. Therefore, it has been classified as a Variant of Uncertain Significance.

NM_002691.4(POLD1):c.171G>T (p.Glu57Asp)

Gene: POLD1 (DNA polymerase delta 1, catalytic subunit; plus strand). Cytogenetic location: 19q13.33.
Variant type: single nucleotide variant.
Coding change: c.171G>T on transcript NM_002691.4 (MANE Select); coding-DNA position 171, G replaced by T.
Protein change: p.Glu57Asp; replaces glutamic acid 57 with aspartic acid.
Molecular consequence: missense variant. On other transcripts: non-coding transcript variant (1).
Genome position (GRCh38, 1-based): chr19:50,399,022, G>T. VCF-style: chr19-50399022-G-T. GRCh37 (hg19) VCF-style: chr19-50902279-G-T.
Other names: c.171G>T, p.Glu57Asp (NM_001256849.1, NM_001308632.1); short protein forms E57D.
Identifiers: ClinVar variation 2765305 (VCV002765305.3), dbSNP rs1601189461, ClinGen allele CA406970306.